The following is an entry in ClinVar:

ClinVar aggregate classification (germline): Uncertain significance (1 of 4 stars; one submission).

Conditions:
Familial cancer of breast. Also called: hereditary breast carcinoma; BREAST CANCER, FAMILIAL; Hereditary breast cancer. Identifiers: Orphanet 227535, MedGen C0346153, MONDO:0016419, OMIM 114480. Disease mechanism: loss of function.

Submission:

Labcorp Genetics (formerly Invitae), Labcorp
Classification: Uncertain significance for Familial cancer of breast. Last evaluated: 2023-12-27. Review status: criteria provided, single submitter. Criteria: Invitae Variant Classification Sherloc (09022015). Collection method: clinical testing. Allele origin: germline.
Comment: This sequence change replaces glutamic acid, which is acidic and polar, with glycine, which is neutral and non-polar, at codon 122 of the CHEK2 protein (p.Glu122Gly). This variant is not present in population databases (gnomAD no frequency). This variant has not been reported in the literature in individuals affected with CHEK2-related conditions. An algorithm developed to predict the effect of missense changes on protein structure and function (PolyPhen-2) suggests that this variant is likely to be tolerated. In summary, the available evidence is currently insufficient to determine the role of this variant in disease. Therefore, it has been classified as a Variant of Uncertain Significance.

NM_007194.4(CHEK2):c.365A>G (p.Glu122Gly)

Gene: CHEK2 (checkpoint kinase 2; minus strand). Cytogenetic location: 22q12.1.
Variant type: single nucleotide variant.
Coding change: c.365A>G on transcript NM_007194.4 (MANE Select); coding-DNA position 365, A replaced by G.
Protein change: p.Glu122Gly; replaces glutamic acid 122 with glycine.
Molecular consequence: missense variant.
Genome position (GRCh38, 1-based): chr22:28,725,322, T>C on the plus strand (A>G on the coding strand, the complement: CHEK2 is on the minus strand). VCF-style: chr22-28725322-T-C. GRCh37 (hg19) VCF-style: chr22-29121310-T-C.
Other names: c.494A>G, p.Glu165Gly (NM_001005735.3); c.-413A>G (NM_001257387.3); c.365A>G, p.Glu122Gly (NM_001349956.3, NM_145862.3); short protein forms E165G, E122G.
Identifiers: ClinVar variation 2846454 (VCV002846454.3), dbSNP rs2518060264, ClinGen allele CA411108135.